The following is an entry in ClinVar:

NM_003024.3(ITSN1):c.2293G>A (p.Asp765Asn)

Gene: ITSN1 (intersectin 1; plus strand). Cytogenetic location: 21q22.11.
Variant type: single nucleotide variant.
Coding change: c.2293G>A on transcript NM_003024.3 (MANE Select); coding-DNA position 2293, G replaced by A.
Protein change: p.Asp765Asn; replaces aspartic acid 765 with asparagine.
Molecular consequence: missense variant.
Genome position (GRCh38, 1-based): chr21:33,799,918, G>A. VCF-style: chr21-33799918-G-A. GRCh37 (hg19) VCF-style: chr21-35172222-G-A.
Other names: c.2293G>A, p.Asp765Asn (NM_001001132.2, NM_001331008.2, NM_001331009.2 and 2 more transcripts); c.2182G>A, p.Asp728Asn (NM_001331012.2); short protein forms D728N, D765N.
Identifiers: ClinVar variation 4795620 (VCV004795620.1).

ClinVar aggregate classification (germline): Uncertain significance (1 of 4 stars; one submission).

gnomAD v4.1: 1 of 1,613,686 alleles (0.000062%); highest among the groups gnomAD compares: Admixed American, 0.0017%; no homozygotes.

Submission:

GeneDx
Classification: Uncertain significance. Last evaluated: 2025-08-15. Review status: criteria provided, single submitter. Criteria: GeneDx Variant Classification Process June 2021. Collection method: clinical testing. Allele origin: germline. Affected: yes.
Comment: Not observed at significant frequency in large population cohorts (gnomAD); In silico analysis supports that this missense variant has a deleterious effect on protein structure/function; Has not been previously published as pathogenic or benign to our knowledge